The following is an entry in ClinVar:

NM_002332.3(LRP1):c.923A>C (p.Asn308Thr)

Gene: LRP1 (LDL receptor related protein 1; plus strand). Cytogenetic location: 12q13.3.
Variant type: single nucleotide variant.
Coding change: c.923A>C on transcript NM_002332.3 (MANE Select); coding-DNA position 923, A replaced by C.
Protein change: p.Asn308Thr; replaces asparagine 308 with threonine.
Molecular consequence: missense variant.
Genome position (GRCh38, 1-based): chr12:57,154,289, A>C. VCF-style: chr12-57154289-A-C. GRCh37 (hg19) VCF-style: chr12-57548072-A-C.
Other names: short protein forms N308T.
Identifiers: ClinVar variation 4976642 (VCV004976642.1).

ClinVar aggregate classification (germline): Uncertain significance (1 of 4 stars; one submission).

Submission:

GeneDx
Classification: Uncertain significance. Last evaluated: 2024-05-04. Review status: criteria provided, single submitter. Criteria: GeneDx Variant Classification Process June 2021. Collection method: clinical testing. Allele origin: germline.
Comment: Not observed at significant frequency in large population cohorts (gnomAD); In silico analysis supports that this missense variant has a deleterious effect on protein structure/function; Has not been previously published as pathogenic or benign to our knowledge; Variants in candidate genes are classified as variants of uncertain significance in accordance with ACMG guidelines (Richards et al., 2015)